The following is an entry in ClinVar:

ClinVar aggregate classification (germline): Likely pathogenic (1 of 4 stars; one submission).

Conditions:
Polyglandular autoimmune syndrome, type 1 (APS1). Also called: Whitaker syndrome; AUTOIMMUNE POLYENDOCRINE SYNDROME, TYPE I, WITH OR WITHOUT REVERSIBLE METAPHYSEAL DYSPLASIA; APS I; Autoimmune polyendocrine syndrome type 1; HYPOADRENOCORTICISM WITH HYPOPARATHYROIDISM AND SUPERFICIAL MONILIASIS; Autoimmune polyendocrinopathy syndrome, type I. Identifiers: Orphanet 3453, MedGen C0085859, MONDO:0009411, OMIM 240300.

Allele frequency attached by ClinVar (database versions not stated): TOPMed below 0.00001; gnomAD 0.00001.

Submission:

Labcorp Genetics (formerly Invitae), Labcorp
Classification: Likely pathogenic for Polyglandular autoimmune syndrome, type 1. Last evaluated: 2025-08-18. Review status: criteria provided, single submitter. Criteria: Invitae Variant Classification Sherloc (09022015). Collection method: clinical testing. Allele origin: germline.
Comment: This sequence change replaces arginine, which is basic and polar, with histidine, which is basic and polar, at codon 8 of the AIRE protein (p.Arg8His). This variant is not present in population databases (gnomAD no frequency). This variant has not been reported in the literature in individuals affected with AIRE-related conditions. ClinVar contains an entry for this variant (Variation ID: 2796176). Invitae Evidence Modeling of protein sequence and biophysical properties (such as structural, functional, and spatial information, amino acid conservation, physicochemical variation, residue mobility, and thermodynamic stability) indicates that this missense variant is expected to disrupt AIRE protein function with a positive predictive value of 95%. This variant disrupts the p.Arg8 amino acid residue in AIRE. Other variant(s) that disrupt this residue have been determined to be pathogenic (PMID: 17118990, 27253668). This suggests that this residue is clinically significant, and that variants that disrupt this residue are likely to be disease-causing. In summary, the currently available evidence indicates that the variant is pathogenic, but additional data are needed to prove that conclusively. Therefore, this variant has been classified as Likely Pathogenic.

Literature cited by the submitters: PubMed 17118990; PubMed 27253668.

NM_000383.4(AIRE):c.23G>A (p.Arg8His)

Gene: AIRE (autoimmune regulator; plus strand). Cytogenetic location: 21q22.3.
Variant type: single nucleotide variant.
Coding change: c.23G>A on transcript NM_000383.4 (MANE Select); coding-DNA position 23, G replaced by A.
Protein change: p.Arg8His; replaces arginine 8 with histidine.
Molecular consequence: missense variant.
Genome position (GRCh38, 1-based): chr21:44,286,029, G>A. VCF-style: chr21-44286029-G-A. GRCh37 (hg19) VCF-style: chr21-45705912-G-A.
Other names: short protein forms R8H.
Identifiers: ClinVar variation 2796176 (VCV002796176.3), dbSNP rs1206933109, ClinGen allele CA410422953.